The following is an entry in ClinVar:

NM_007294.4(BRCA1):c.4346C>T (p.Thr1449Ile)

Gene: BRCA1 (BRCA1 DNA repair associated; minus strand). Cytogenetic location: 17q21.31.
Variant type: single nucleotide variant.
Coding change: c.4346C>T on transcript NM_007294.4 (MANE Select); coding-DNA position 4346, C replaced by T.
Protein change: p.Thr1449Ile; replaces threonine 1449 with isoleucine.
Molecular consequence: missense variant. On other transcripts: non-coding transcript variant (1).
Genome position (GRCh38, 1-based): chr17:43,082,415, G>A on the plus strand (C>T on the coding strand, the complement: BRCA1 is on the minus strand). VCF-style: chr17-43082415-G-A. GRCh37 (hg19) VCF-style: chr17-41234432-G-A.
Other names: c.4133C>T, p.Thr1378Ile (NM_001407571.1, NM_001407853.1, NM_001407894.1 and 12 more transcripts); c.4346C>T, p.Thr1449Ile (NM_001407581.1, NM_001407582.1, NM_001407583.1 and 23 more transcripts); c.4343C>T, p.Thr1448Ile (NM_001407587.1, NM_001407590.1, NM_001407591.1 and 21 more transcripts); c.4340C>T, p.Thr1447Ile (NM_001407627.1, NM_001407628.1, NM_001407629.1 and 5 more transcripts); c.4334C>T, p.Thr1445Ile (NM_001407646.1, NM_001407647.1); c.4223C>T, p.Thr1408Ile (NM_001407648.1, NM_001407664.1, NM_001407665.1 and 13 more transcripts); c.4220C>T, p.Thr1407Ile (NM_001407649.1, NM_001407670.1, NM_001407671.1 and 12 more transcripts); c.4268C>T, p.Thr1423Ile (NM_001407653.1, NM_001407654.1, NM_001407655.1 and 2 more transcripts); and 51 more; short protein forms T1402I, T346I, T1449I, T1338I, T1360I, T1361I, T1378I, T1382I.
Identifiers: ClinVar variation 1374575 (VCV001374575.10), dbSNP rs2154145216, ClinGen allele CA10593029.

ClinVar aggregate classification (germline): Uncertain significance. Review status: criteria provided, multiple submitters, no conflicts (2 of 4 stars). 2 submissions from 2 submitters: Uncertain significance (2). Last evaluated 2025-02-18.

Conditions:
Hereditary cancer-predisposing syndrome. Also called: Neoplastic Syndromes, Hereditary; Hereditary Cancer Syndrome; Tumor predisposition; Hereditary neoplastic syndrome. Identifiers: Orphanet 140162, MedGen C0027672, MeSH D009386, MONDO:0015356.
Hereditary breast ovarian cancer syndrome. Also called: Hereditary breast and ovarian cancer; Hereditary breast and/or ovarian cancer syndrome; Hereditary breast and ovarian cancer syndrome; Hereditary breast and ovarian cancer syndrome (HBOC); Breast and ovarian cancer; BRCA1- and BRCA2-Associated Hereditary Breast and Ovarian Cancer. Identifiers: Orphanet 145, MedGen C0677776, MeSH D061325, MONDO:0003582. Disease mechanism: loss of function.

Submissions (2):

Ambry Genetics
Classification: Uncertain significance for Hereditary cancer-predisposing syndrome. Last evaluated: 2025-02-18. Review status: criteria provided, single submitter. Criteria: Ambry Variant Classification Scheme 2023. Collection method: clinical testing. Allele origin: germline.
Comment: The p.T1449I variant (also known as c.4346C>T), located in coding exon 11 of the BRCA1 gene, results from a C to T substitution at nucleotide position 4346. The threonine at codon 1449 is replaced by isoleucine, an amino acid with similar properties. This amino acid position is not well conserved in available vertebrate species. In addition, this alteration is predicted to be tolerated by in silico analysis. Based on the available evidence, the clinical significance of this variant remains unclear.

Labcorp Genetics (formerly Invitae), Labcorp
Classification: Uncertain significance for Hereditary breast ovarian cancer syndrome. Last evaluated: 2021-02-20. Review status: criteria provided, single submitter. Criteria: Invitae Variant Classification Sherloc (09022015). Collection method: clinical testing. Allele origin: germline.
Comment: This sequence change replaces threonine with isoleucine at codon 1449 of the BRCA1 protein (p.Thr1449Ile). The threonine residue is weakly conserved and there is a moderate physicochemical difference between threonine and isoleucine. This variant is not present in population databases (ExAC no frequency). This variant has not been reported in the literature in individuals with BRCA1-related conditions. Advanced modeling of protein sequence and biophysical properties (such as structural, functional, and spatial information, amino acid conservation, physicochemical variation, residue mobility, and thermodynamic stability) performed at Invitae indicates that this missense variant is not expected to disrupt BRCA1 protein function. In summary, the available evidence is currently insufficient to determine the role of this variant in disease. Therefore, it has been classified as a Variant of Uncertain Significance.